The following is an entry in ClinVar:

NM_000535.7(PMS2):c.1677A>T (p.Gly559=)

Gene: PMS2 (PMS1 homolog 2, mismatch repair system component; minus strand). Cytogenetic location: 7p22.1.
Variant type: single nucleotide variant.
Coding change: c.1677A>T on transcript NM_000535.7 (MANE Select); coding-DNA position 1677, A replaced by T.
Protein change: p.Gly559=; no amino-acid change (glycine 559 retained).
Molecular consequence: synonymous variant. On other transcripts: non-coding transcript variant (1).
Genome position (GRCh38, 1-based): chr7:5,987,088, T>A on the plus strand (A>T on the coding strand, the complement: PMS2 is on the minus strand). VCF-style: chr7-5987088-T-A. GRCh37 (hg19) VCF-style: chr7-6026719-T-A.
Other names: c.1272A>T, p.Gly424= (NM_001322003.2, NM_001322004.2, NM_001322005.2 and 1 more transcripts); c.1521A>T, p.Gly507= (NM_001322006.2); c.1359A>T, p.Gly453= (NM_001322007.2, NM_001322008.2); c.1116A>T, p.Gly372= (NM_001322010.2); c.744A>T, p.Gly248= (NM_001322011.2, NM_001322012.2); c.1104A>T, p.Gly368= (NM_001322013.2); c.1677A>T, p.Gly559= (NM_001322014.2); c.1368A>T, p.Gly456= (NM_001322015.2).
Identifiers: ClinVar variation 1592546 (VCV001592546.9), dbSNP rs2128725481, ClinGen allele CA453746099.

ClinVar aggregate classification (germline): Likely benign. Review status: criteria provided, multiple submitters, no conflicts (2 of 4 stars). 2 submissions from 2 submitters: Likely benign (2). Last evaluated 2025-07-29.

Conditions:
Hereditary nonpolyposis colorectal neoplasms. Identifiers: MedGen C0009405, MeSH D003123.

Submissions (2):

Women's Health and Genetics/Laboratory Corporation of America, LabCorp
Classification: Likely benign. Last evaluated: 2025-07-29. Review status: criteria provided, single submitter. Criteria: LabCorp Variant Classification Summary - May 2015. Collection method: clinical testing. Allele origin: germline.
Comment: Variant summary: PMS2 c.1677A>T alters a non-conserved nucleotide resulting in a synonymous change. Consensus agreement among computation tools predict no significant impact on normal splicing. However, these predictions have yet to be confirmed by functional studies. The variant was absent in 251274 control chromosomes. The available data on variant occurrences in the general population are insufficient to allow any conclusion about variant significance. To our knowledge, no occurrence of c.1677A>T in individuals affected with Lynch Syndrome and no experimental evidence demonstrating its impact on protein function have been reported. ClinVar contains an entry for this variant (Variation ID: 1592546). Based on the evidence outlined above, the variant was classified as likely benign.

Labcorp Genetics (formerly Invitae), Labcorp
Classification: Likely benign for Hereditary nonpolyposis colorectal neoplasms. Last evaluated: 2023-03-14. Review status: criteria provided, single submitter. Criteria: Invitae Variant Classification Sherloc (09022015). Collection method: clinical testing. Allele origin: germline.